The following is an entry in ClinVar:

NM_001145809.2(MYH14):c.3404G>A (p.Arg1135Gln)

Gene: MYH14 (myosin heavy chain 14; plus strand). Cytogenetic location: 19q13.33.
Variant type: single nucleotide variant.
Coding change: c.3404G>A on transcript NM_001145809.2 (MANE Select); coding-DNA position 3404, G replaced by A.
Protein change: p.Arg1135Gln; replaces arginine 1135 with glutamine.
Molecular consequence: missense variant.
Genome position (GRCh38, 1-based): chr19:50,272,668, G>A. VCF-style: chr19-50272668-G-A. GRCh37 (hg19) VCF-style: chr19-50775925-G-A.
Other names: c.3404G>A (NM_001145809.1); c.3305G>A, p.Arg1102Gln (NM_001077186.2); c.3281G>A, p.Arg1094Gln (NM_024729.4); short protein forms R1094Q, R1102Q, R1135Q.
Identifiers: ClinVar variation 1200086 (VCV001200086.27), dbSNP rs369620344, ClinGen allele CA9593207.

ClinVar aggregate classification (germline): Conflicting classifications of pathogenicity. Review status: criteria provided, conflicting classifications (1 of 4 stars). 6 submissions from 6 submitters: Uncertain significance (1); Likely benign (4). 1 of the submissions does not count toward it. Last evaluated 2025-12-10.

Conditions:
MYH14-related disorder. Also called: MYH14-related condition.
Inborn genetic diseases. Identifiers: MedGen C0950123, MeSH D030342.

Allele frequency attached by ClinVar (database versions not stated): ESP Exome Variant Server 0.00008; TOPMed 0.00017; gnomAD exomes 0.00020; ExAC 0.00032.
gnomAD v4.1: 257 of 1,557,048 alleles (0.017%); highest among the groups gnomAD compares: Admixed American, 0.027%; no homozygotes.

Submissions (6):

Ambry Genetics
Classification: Uncertain significance for Inborn genetic diseases. Last evaluated: 2025-12-10. Review status: criteria provided, single submitter. Criteria: Ambry Variant Classification Scheme 2023. Collection method: clinical testing. Allele origin: germline.

Labcorp Genetics (formerly Invitae), Labcorp
Classification: Likely benign. Last evaluated: 2025-10-02. Review status: criteria provided, single submitter. Criteria: Invitae Variant Classification Sherloc (09022015). Collection method: clinical testing. Allele origin: germline.

CeGaT Center for Human Genetics Tuebingen
Classification: Likely benign. Last evaluated: 2025-02-01. Review status: criteria provided, single submitter. Criteria: CeGaT Center For Human Genetics Tuebingen Variant Classification Criteria Version 2. Collection method: clinical testing. Allele origin: germline. Affected: yes. Observed: 1 variant allele.
Comment: MYH14: BP4

Blueprint Genetics
Classification: Likely benign. Last evaluated: 2024-10-21. Review status: criteria provided, single submitter. Criteria: ACMG Guidelines, 2015. Collection method: clinical testing. Allele origin: germline.

GeneDx
Classification: Likely benign. Last evaluated: 2019-11-22. Review status: criteria provided, single submitter. Criteria: GeneDx Variant Classification Process June 2021. Collection method: clinical testing. Allele origin: germline. Affected: yes.
Comment: In silico analysis, which includes protein predictors and evolutionary conservation, supports that this variant does not alter protein structure/function; Has not been previously published as pathogenic or benign to our knowledge

PreventionGenetics, part of Exact Sciences
Classification: Uncertain significance for MYH14-related condition. Last evaluated: 2024-04-23. Review status: no assertion criteria provided. Collection method: clinical testing. Allele origin: germline. Not counted in ClinVar's aggregate classification.
Comment: The MYH14 c.3404G>A variant is predicted to result in the amino acid substitution p.Arg1135Gln. To our knowledge, this variant has not been reported in the literature. This variant is reported in 0.031% of alleles in individuals of Latino descent in gnomAD. Although we suspect that this variant may be benign, at this time, the clinical significance of this variant is uncertain due to the absence of conclusive functional and genetic evidence.